The following is an entry in ClinVar:

ClinVar aggregate classification (germline): Uncertain significance. Review status: criteria provided, multiple submitters, no conflicts (2 of 4 stars). 2 submissions from 2 submitters: Uncertain significance (2). Last evaluated 2024-09-18.

Conditions:
DICER1-related tumor predisposition. Also called: DICER1-related pleuropulmonary blastoma cancer predisposition syndrome; DICER1 syndrome. Identifiers: Orphanet 284343, MedGen C3839822, MONDO:0100216.
Hereditary cancer-predisposing syndrome. Also called: Hereditary neoplastic syndrome; Neoplastic Syndromes, Hereditary; Tumor predisposition; Hereditary Cancer Syndrome. Identifiers: Orphanet 140162, MedGen C0027672, MeSH D009386, MONDO:0015356.

Submissions (2):

Ambry Genetics
Classification: Uncertain significance for Hereditary cancer-predisposing syndrome. Last evaluated: 2024-09-18. Review status: criteria provided, single submitter. Criteria: Ambry Variant Classification Scheme 2023. Collection method: clinical testing. Allele origin: germline.
Comment: The p.G1575R variant (also known as c.4723G>C), located in coding exon 22 of the DICER1 gene, results from a G to C substitution at nucleotide position 4723. The glycine at codon 1575 is replaced by arginine, an amino acid with dissimilar properties. This amino acid position is conserved. In addition, this alteration is predicted to be deleterious by in silico analysis. Based on the available evidence, the clinical significance of this variant remains unclear.

Labcorp Genetics (formerly Invitae), Labcorp
Classification: Uncertain significance for DICER1-related tumor predisposition. Last evaluated: 2023-06-16. Review status: criteria provided, single submitter. Criteria: Invitae Variant Classification Sherloc (09022015). Collection method: clinical testing. Allele origin: germline.
Comment: In summary, the available evidence is currently insufficient to determine the role of this variant in disease. Therefore, it has been classified as a Variant of Uncertain Significance. Advanced modeling of protein sequence and biophysical properties (such as structural, functional, and spatial information, amino acid conservation, physicochemical variation, residue mobility, and thermodynamic stability) performed at Invitae indicates that this missense variant is expected to disrupt DICER1 protein function. ClinVar contains an entry for this variant (Variation ID: 412082). This variant has not been reported in the literature in individuals affected with DICER1-related conditions. This variant is not present in population databases (gnomAD no frequency). This sequence change replaces glycine, which is neutral and non-polar, with arginine, which is basic and polar, at codon 1575 of the DICER1 protein (p.Gly1575Arg).

NM_177438.3(DICER1):c.4723G>C (p.Gly1575Arg)

Gene: DICER1 (dicer 1, ribonuclease III; minus strand). Cytogenetic location: 14q32.13.
Variant type: single nucleotide variant.
Coding change: c.4723G>C on transcript NM_177438.3 (MANE Select); coding-DNA position 4723, G replaced by C.
Protein change: p.Gly1575Arg; replaces glycine 1575 with arginine.
Molecular consequence: missense variant.
Genome position (GRCh38, 1-based): chr14:95,096,197, C>G on the plus strand (G>C on the coding strand, the complement: DICER1 is on the minus strand). VCF-style: chr14-95096197-C-G. GRCh37 (hg19) VCF-style: chr14-95562534-C-G.
Other names: c.4723G>C, p.Gly1575Arg (NM_001195573.1, NM_001271282.3, NM_001291628.2 and 1 more transcripts); short protein forms G1575R.
Identifiers: ClinVar variation 412082 (VCV000412082.11), dbSNP rs1060503609, ClinGen allele CA16614175.